The following is an entry in ClinVar:

NM_001376.5(DYNC1H1):c.13204G>A (p.Val4402Met)

Gene: DYNC1H1 (dynein cytoplasmic 1 heavy chain 1; plus strand). Cytogenetic location: 14q32.31.
Variant type: single nucleotide variant.
Coding change: c.13204G>A on transcript NM_001376.5 (MANE Select); coding-DNA position 13204, G replaced by A.
Protein change: p.Val4402Met; replaces valine 4402 with methionine.
Molecular consequence: missense variant.
Genome position (GRCh38, 1-based): chr14:102,048,014, G>A. VCF-style: chr14-102048014-G-A. GRCh37 (hg19) VCF-style: chr14-102514351-G-A.
Other names: short protein forms V4402M.
Identifiers: ClinVar variation 1363292 (VCV001363292.8), dbSNP rs977186240, ClinGen allele CA266985347.

ClinVar aggregate classification (germline): Conflicting classifications of pathogenicity. Review status: criteria provided, conflicting classifications (1 of 4 stars). 2 submissions from 2 submitters: Uncertain significance (1); Likely benign (1). Last evaluated 2025-10-20.

Conditions:
Inborn genetic diseases. Identifiers: MedGen C0950123, MeSH D030342.
Charcot-Marie-Tooth disease axonal type 2O. Also called: CHARCOT-MARIE-TOOTH NEUROPATHY, AXONAL, TYPE 2O; CHARCOT-MARIE-TOOTH DISEASE, AXONAL, AUTOSOMAL DOMINANT, TYPE 2O; Charcot-Marie-Tooth disease, axonal, type 20; Charcot-Marie-Tooth Neuropathy Type 2O. Identifiers: Orphanet 284232, MedGen C3280220, MONDO:0013644, OMIM 614228.

Allele frequency attached by ClinVar (database versions not stated): gnomAD 0.00001 and 0.00002; gnomAD exomes 0.00001 and 0.00002.
gnomAD v4.1: 20 of 1,611,190 alleles (0.0012%); highest among the groups gnomAD compares: African/African-American, 0.004%; no homozygotes.

Submissions (2):

Labcorp Genetics (formerly Invitae), Labcorp
Classification: Likely benign for Charcot-Marie-Tooth disease axonal type 2O. Last evaluated: 2025-10-20. Review status: criteria provided, single submitter. Criteria: Invitae Variant Classification Sherloc (09022015). Collection method: clinical testing. Allele origin: germline.

Ambry Genetics
Classification: Uncertain significance for Inborn genetic diseases. Last evaluated: 2020-03-25. Review status: criteria provided, single submitter. Criteria: Ambry Variant Classification Scheme 2023. Collection method: clinical testing. Allele origin: germline.
Comment: The p.V4402M variant (also known as c.13204G>A), located in coding exon 73 of the DYNC1H1 gene, results from a G to A substitution at nucleotide position 13204. The valine at codon 4402 is replaced by methionine, an amino acid with highly similar properties. This amino acid position is highly conserved in available vertebrate species. In addition, this alteration is predicted to be tolerated by in silico analysis. Since supporting evidence is limited at this time, the clinical significance of this alteration remains unclear.